The following is an entry in ClinVar:

NM_022437.3(ABCG8):c.642G>A (p.Ser214=)

Gene: ABCG8 (ATP binding cassette subfamily G member 8; plus strand). Cytogenetic location: 2p21.
Variant type: single nucleotide variant.
Coding change: c.642G>A on transcript NM_022437.3 (MANE Select); coding-DNA position 642, G replaced by A.
Protein change: p.Ser214=; no amino-acid change (serine 214 retained).
Molecular consequence: synonymous variant.
Genome position (GRCh38, 1-based): chr2:43,852,434, G>A. VCF-style: chr2-43852434-G-A. GRCh37 (hg19) VCF-style: chr2-44079573-G-A.
Other names: c.642G>A, p.Ser214= (NM_001357321.2).
Identifiers: ClinVar variation 336071 (VCV000336071.16), dbSNP rs202198142, ClinGen allele CA1637102.
Genomic context (GRCh38, chr2:43,852,434, plus strand): 5'-GCTGCGGCTTAGGCAGTGCGCTGACACCCGCGTGGGCAACATGTACGTGCGGGGGTTGTC[G>A]GGGGGTGAGCGCAGGAGAGTCAGCATTGGGGTGCAGCTCCTGTGGAACCCAGGTGAGGGC-3'
Protein context (NP_071882.1, residues 204-224): RVGNMYVRGL[Ser214=]GGERRRVSIG

ClinVar aggregate classification (germline): Conflicting classifications of pathogenicity. Review status: criteria provided, conflicting classifications (1 of 4 stars). 5 submissions from 5 submitters: Uncertain significance (2); Likely benign (2). 1 of the submissions does not count toward it. Last evaluated 2025-07-10.

Conditions:
Sitosterolemia 1. Identifiers: MedGen C2749759, MONDO:0020747, OMIM 210250.
ABCG8-related disorder. Also called: ABCG8-related condition.
Cardiovascular phenotype. Identifiers: MedGen CN230736.

Allele frequency attached by ClinVar (database versions not stated): TOPMed 0.00002; ExAC 0.00003; gnomAD 0.00003; 1000 Genomes Project 30x 0.00016; 1000 Genomes Project 0.00020.
gnomAD v4.1: 62 of 1,612,726 alleles (0.0038%); highest among the groups gnomAD compares: Middle Eastern, 0.02%; no homozygotes.

Submissions (5):

Labcorp Genetics (formerly Invitae), Labcorp
Classification: Likely benign. Last evaluated: 2025-07-10. Review status: criteria provided, single submitter. Criteria: Invitae Variant Classification Sherloc (09022015). Collection method: clinical testing. Allele origin: germline.

Ambry Genetics
Classification: Likely benign for Cardiovascular phenotype. Last evaluated: 2019-10-29. Review status: criteria provided, single submitter. Criteria: Ambry Variant Classification Scheme 2023. Collection method: clinical testing. Allele origin: germline.

Illumina Laboratory Services, Illumina
Classification: Uncertain significance for Sitosterolemia 1. Last evaluated: 2018-01-13. Review status: criteria provided, single submitter. Criteria: ICSL Variant Classification Criteria 13 December 2019. Collection method: clinical testing. Allele origin: germline.

Eurofins Ntd Llc (ga)
Classification: Uncertain significance. Last evaluated: 2017-04-18. Review status: criteria provided, single submitter. Criteria: EGL Classification Definitions 2015. Collection method: clinical testing. Allele origin: germline. Observed: 2 variant alleles, 2 heterozygotes.

PreventionGenetics, part of Exact Sciences
Classification: Likely benign for ABCG8-related condition. Last evaluated: 2021-10-14. Review status: no assertion criteria provided. Collection method: clinical testing. Allele origin: germline. Not counted in ClinVar's aggregate classification.
Comment: This variant is classified as likely benign based on ACMG/AMP sequence variant interpretation guidelines (Richards et al. 2015 PMID: 25741868, with internal and published modifications).